The following is an entry in ClinVar:

ClinVar aggregate classification (germline): Conflicting classifications of pathogenicity. Review status: criteria provided, conflicting classifications (1 of 4 stars). 4 submissions from 4 submitters: Uncertain significance (1); Benign (1); Likely benign (2). Last evaluated 2025-12-18.

Conditions:
Immunodeficiency 35 (IMD35). Also called: TYK2 DEFICIENCY; Susceptibility to infection due to TYK2 deficiency; HIES WITH ATYPICAL MYCOBACTERIOSIS, AUTOSOMAL RECESSIVE; HYPER-IgE SYNDROME WITH ATYPICAL MYCOBACTERIOSIS, AUTOSOMAL RECESSIVE. Identifiers: Orphanet 331226, MedGen C1969086, MONDO:0012682, OMIM 611521.

Allele frequency attached by ClinVar (database versions not stated): gnomAD exomes 0.00014; ExAC 0.00030; 1000 Genomes Project 0.00060; 1000 Genomes Project 30x 0.00062; TOPMed 0.00098; gnomAD 0.00102 and 0.00110; ESP Exome Variant Server 0.00123.

Submissions (4):

Labcorp Genetics (formerly Invitae), Labcorp
Classification: Benign for Immunodeficiency 35. Last evaluated: 2025-12-18. Review status: criteria provided, single submitter. Criteria: Invitae Variant Classification Sherloc (09022015). Collection method: clinical testing. Allele origin: germline.

Blueprint Genetics
Classification: Likely benign. Last evaluated: 2024-10-24. Review status: criteria provided, single submitter. Criteria: ACMG Guidelines, 2015. Collection method: clinical testing. Allele origin: germline.

CeGaT Center for Human Genetics Tuebingen
Classification: Likely benign. Last evaluated: 2024-04-01. Review status: criteria provided, single submitter. Criteria: CeGaT Center For Human Genetics Tuebingen Variant Classification Criteria Version 2. Collection method: clinical testing. Allele origin: germline. Affected: yes. Observed: 1 variant allele.
Comment: TYK2: BP4, BP7

Illumina Laboratory Services, Illumina
Classification: Uncertain significance for Immunodeficiency 35. Last evaluated: 2018-01-13. Review status: criteria provided, single submitter. Criteria: ICSL Variant Classification Criteria 13 December 2019. Collection method: clinical testing. Allele origin: germline.

NM_003331.5(TYK2):c.1869C>T (p.Asp623=)

Gene: TYK2 (tyrosine kinase 2; minus strand). Cytogenetic location: 19p13.2.
Variant type: single nucleotide variant.
Coding change: c.1869C>T on transcript NM_003331.5 (MANE Select); coding-DNA position 1869, C replaced by T.
Protein change: p.Asp623=; no amino-acid change (aspartic acid 623 retained).
Molecular consequence: synonymous variant.
Genome position (GRCh38, 1-based): chr19:10,361,860, G>A on the plus strand (C>T on the coding strand, the complement: TYK2 is on the minus strand). VCF-style: chr19-10361860-G-A. GRCh37 (hg19) VCF-style: chr19-10472536-G-A.
Other names: c.1869C>T (LRG_121t1).
Identifiers: ClinVar variation 327944 (VCV000327944.37), dbSNP rs140078545, ClinGen allele CA9193269.